The following is an entry in ClinVar:

NM_003900.5(SQSTM1):c.16G>T (p.Val6Leu)

Gene: SQSTM1 (sequestosome 1; plus strand). Cytogenetic location: 5q35.3.
Variant type: single nucleotide variant.
Coding change: c.16G>T on transcript NM_003900.5 (MANE Select); coding-DNA position 16, G replaced by T.
Protein change: p.Val6Leu; replaces valine 6 with leucine.
Molecular consequence: missense variant. On other transcripts: intron variant (2).
Genome position (GRCh38, 1-based): chr5:179,820,952, G>T. VCF-style: chr5-179820952-G-T. GRCh37 (hg19) VCF-style: chr5-179247952-G-T.
Other names: c.-47-2006G>T (NM_001142298.2, NM_001142299.2); short protein forms V6L.
Identifiers: ClinVar variation 1019498 (VCV001019498.8), dbSNP rs778461636, ClinGen allele CA362442014.
Genomic context (GRCh38, chr5:179,820,952, plus strand): 5'-GGCTGCGACCGGGACGGCCCGTTTTCCGCCAGCTCGCCGCTCGCTATGGCGTCGCTCACC[G>T]TGAAGGCCTACCTTCTGGGCAAGGAGGACGCGGCGCGCGAGATTCGCCGCTTCAGCTTCT-3'
Protein context (NP_003891.1, residues 1-16): MASLT[Val6Leu]KAYLLGKEDA

ClinVar aggregate classification (germline): Uncertain significance (1 of 4 stars; one submission).

Conditions:
Paget disease of bone 2, early-onset (PDB2). Also called: Paget disease of bone 2. Identifiers: MedGen C4085251, MONDO:0011183, OMIM 602080.
Frontotemporal dementia and/or amyotrophic lateral sclerosis 1 (FTDALS1). Also called: Frontotemporal dementia with motor neuron disease 1; C9orf72 Frontotemporal Dementia and/or Amyotrophic Lateral Sclerosis. Identifiers: Orphanet 275872, MedGen C5779877, MONDO:0007105, OMIM 105550.

Submission:

Labcorp Genetics (formerly Invitae), Labcorp
Classification: Uncertain significance for Paget disease of bone 2, early-onset; Frontotemporal dementia and/or amyotrophic lateral sclerosis 1. Last evaluated: 2024-02-24. Review status: criteria provided, single submitter. Criteria: Invitae Variant Classification Sherloc (09022015). Collection method: clinical testing. Allele origin: germline.
Comment: This sequence change replaces valine, which is neutral and non-polar, with leucine, which is neutral and non-polar, at codon 6 of the SQSTM1 protein (p.Val6Leu). This variant is not present in population databases (gnomAD no frequency). This variant has not been reported in the literature in individuals affected with SQSTM1-related conditions. ClinVar contains an entry for this variant (Variation ID: 1019498). Advanced modeling of protein sequence and biophysical properties (such as structural, functional, and spatial information, amino acid conservation, physicochemical variation, residue mobility, and thermodynamic stability) performed at Invitae indicates that this missense variant is not expected to disrupt SQSTM1 protein function with a negative predictive value of 80%. In summary, the available evidence is currently insufficient to determine the role of this variant in disease. Therefore, it has been classified as a Variant of Uncertain Significance.